The following is an entry in ClinVar:

ClinVar aggregate classification (germline): Uncertain significance (1 of 4 stars; one submission).

Allele frequency attached by ClinVar (database versions not stated): gnomAD exomes 0.00001.
gnomAD v4.1: 15 of 1,614,136 alleles (0.00093%); highest among the groups gnomAD compares: Non-Finnish European, 0.0013%; no homozygotes.

Submission:

Women's Health and Genetics/Laboratory Corporation of America, LabCorp
Classification: Uncertain significance. Last evaluated: 2023-11-21. Review status: criteria provided, single submitter. Criteria: LabCorp Variant Classification Summary - May 2015. Collection method: clinical testing. Allele origin: germline.
Comment: Variant summary: SYNE1 c.4591G>A (p.Ala1531Thr) results in a non-conservative amino acid change in the encoded protein sequence. Four of five in-silico tools predict a damaging effect of the variant on protein function. The variant allele was found at a frequency of 4e-06 in 251344 control chromosomes. The available data on variant occurrences in the general population are insufficient to allow any conclusion about variant significance. To our knowledge, no occurrence of c.4591G>A in individuals affected with SYNE1-Related Disorders and no experimental evidence demonstrating its impact on protein function have been reported. No submitters have cited clinical-significance assessments for this variant to ClinVar after 2014. Based on the evidence outlined above, the variant was classified as uncertain significance.

NM_182961.4(SYNE1):c.4570G>A (p.Ala1524Thr)

Gene: SYNE1 (spectrin repeat containing nuclear envelope protein 1; minus strand). Cytogenetic location: 6q25.2.
Variant type: single nucleotide variant.
Coding change: c.4570G>A on transcript NM_182961.4 (MANE Select); coding-DNA position 4570, G replaced by A.
Protein change: p.Ala1524Thr; replaces alanine 1524 with threonine.
Molecular consequence: missense variant.
Genome position (GRCh38, 1-based): chr6:152,430,601, C>T on the plus strand (G>A on the coding strand, the complement: SYNE1 is on the minus strand). VCF-style: chr6-152430601-C-T. GRCh37 (hg19) VCF-style: chr6-152751736-C-T.
Other names: c.4591G>A, p.Ala1531Thr (NM_033071.5); short protein forms A1524T, A1531T.
Identifiers: ClinVar variation 2682237 (VCV002682237.1), dbSNP rs1268969008, ClinGen allele CA366142790.